The following is an entry in ClinVar:

NM_001291303.3(FAT4):c.9841T>G (p.Cys3281Gly)

Gene: FAT4 (FAT atypical cadherin 4; plus strand). Cytogenetic location: 4q28.1.
Variant type: single nucleotide variant.
Coding change: c.9841T>G on transcript NM_001291303.3 (MANE Select); coding-DNA position 9841, T replaced by G.
Protein change: p.Cys3281Gly; replaces cysteine 3281 with glycine.
Molecular consequence: missense variant.
Genome position (GRCh38, 1-based): chr4:125,450,851, T>G. VCF-style: chr4-125450851-T-G. GRCh37 (hg19) VCF-style: chr4-126372006-T-G.
Other names: c.9841T>G, p.Cys3281Gly (NM_001291285.3, NM_001438396.1, NM_001438397.1); c.4612T>G, p.Cys1538Gly (NM_001437895.1); c.9835T>G, p.Cys3279Gly (NM_024582.6); short protein forms C3279G, C1538G, C3281G.
Identifiers: ClinVar variation 4990513 (VCV004990513.1).

ClinVar aggregate classification (germline): Uncertain significance (1 of 4 stars; one submission).

Conditions:
FAT4-related disorder. Also called: FAT4-related condition.

gnomAD v4.1: 4 of 1,614,086 alleles (0.00025%); highest among the groups gnomAD compares: Admixed American, 0.0067%; no homozygotes.

Submission:

PreventionGenetics, part of Exact Sciences
Classification: Uncertain significance for FAT4-related condition. Last evaluated: 2024-11-14. Review status: criteria provided, single submitter. Criteria: ACMG Guidelines, 2015. Collection method: clinical testing. Allele origin: germline.
Comment: The FAT4 c.9835T>G variant is predicted to result in the amino acid substitution p.Cys3279Gly. To our knowledge, this variant has not been reported in the literature or in a large population database (gnomAD), indicating this variant is rare. At this time, the clinical significance of this variant is uncertain due to the absence of conclusive functional and genetic evidence.